The following is an entry in ClinVar:

NM_020631.6(PLEKHG5):c.602G>A (p.Arg201His)

Gene: PLEKHG5 (pleckstrin homology and RhoGEF domain containing G5; minus strand). Cytogenetic location: 1p36.31.
Variant type: single nucleotide variant.
Coding change: c.602G>A on transcript NM_020631.6 (MANE Select); coding-DNA position 602, G replaced by A.
Protein change: p.Arg201His; replaces arginine 201 with histidine.
Molecular consequence: missense variant.
Genome position (GRCh38, 1-based): chr1:6,473,444, C>T on the plus strand (G>A on the coding strand, the complement: PLEKHG5 is on the minus strand). VCF-style: chr1-6473444-C-T. GRCh37 (hg19) VCF-style: chr1-6533504-C-T.
Other names: c.713G>A, p.Arg238His (NM_001042663.3, NM_001265592.2); c.602G>A, p.Arg201His (NM_001042664.2, NM_001042665.2, NM_001265594.3 and 1 more transcripts); c.809G>A, p.Arg270His (NM_001265593.2); short protein forms R201H, R238H, R270H.
Identifiers: ClinVar variation 3748504 (VCV003748504.3).

ClinVar aggregate classification (germline): Uncertain significance. Review status: criteria provided, multiple submitters, no conflicts (2 of 4 stars). 2 submissions from 2 submitters: Uncertain significance (2). Last evaluated 2025-10-02.

Conditions:
Inborn genetic diseases. Identifiers: MedGen C0950123, MeSH D030342.
Neuronopathy, distal hereditary motor, autosomal recessive 4. Also called: NEUROPATHY, DISTAL HEREDITARY MOTOR, AUTOSOMAL RECESSIVE 4; Autosomal recessive lower motor neuron disease with childhood onset. Identifiers: Orphanet 206580, MedGen C1970211, MONDO:0012608, OMIM 611067.
Charcot-Marie-Tooth disease recessive intermediate C. Also called: CHARCOT-MARIE-TOOTH NEUROPATHY, RECESSIVE INTERMEDIATE C. Identifiers: Orphanet 369867, MedGen C3809309, MONDO:0014154, OMIM 615376.

Submissions (2):

Ambry Genetics
Classification: Uncertain significance for Inborn genetic diseases. Last evaluated: 2025-10-02. Review status: criteria provided, single submitter. Criteria: Ambry Variant Classification Scheme 2023. Collection method: clinical testing. Allele origin: germline.

Labcorp Genetics (formerly Invitae), Labcorp
Classification: Uncertain significance for Neuronopathy, distal hereditary motor, autosomal recessive 4; Charcot-Marie-Tooth disease recessive intermediate C. Last evaluated: 2025-08-18. Review status: criteria provided, single submitter. Criteria: Invitae Variant Classification Sherloc (09022015). Collection method: clinical testing. Allele origin: germline.
Comment: This sequence change replaces arginine, which is basic and polar, with histidine, which is basic and polar, at codon 201 of the PLEKHG5 protein (p.Arg201His). The frequency data for this variant in the population databases is considered unreliable, as metrics indicate poor data quality at this position in the gnomAD database. This variant has not been reported in the literature in individuals affected with PLEKHG5-related conditions. ClinVar contains an entry for this variant (Variation ID: 3748504). An algorithm developed to predict the effect of missense changes on protein structure and function (PolyPhen-2) suggests that this variant is likely to be disruptive. In summary, the available evidence is currently insufficient to determine the role of this variant in disease. Therefore, it has been classified as a Variant of Uncertain Significance.